The following is an entry in ClinVar:

ClinVar aggregate classification (germline): Conflicting classifications of pathogenicity. Review status: criteria provided, conflicting classifications (1 of 4 stars). 8 submissions from 8 submitters: Uncertain significance (5); Likely benign (2). 1 of the submissions does not count toward it. Last evaluated 2026-01-16.

Conditions:
Hereditary cancer-predisposing syndrome. Also called: Neoplastic Syndromes, Hereditary; Hereditary Cancer Syndrome; Hereditary neoplastic syndrome; Tumor predisposition. Identifiers: Orphanet 140162, MedGen C0027672, MeSH D009386, MONDO:0015356.
Breast-ovarian cancer, familial, susceptibility to, 2 (BROVCA2). Also called: BRCA2 Hereditary Breast and Ovarian Cancer. Identifiers: Orphanet 145, MedGen C2675520, MONDO:0012933, OMIM 612555. Disease mechanism: loss of function.
Hereditary breast ovarian cancer syndrome. Also called: Hereditary breast and ovarian cancer syndrome (HBOC); Hereditary breast and/or ovarian cancer syndrome; Breast and ovarian cancer; Hereditary breast and ovarian cancer syndrome; Hereditary breast and ovarian cancer; BRCA1- and BRCA2-Associated Hereditary Breast and Ovarian Cancer. Identifiers: Orphanet 145, MedGen C0677776, MeSH D061325, MONDO:0003582. Disease mechanism: loss of function.

Allele frequency attached by ClinVar (database versions not stated): gnomAD exomes below 0.00001; gnomAD 0.00001.
gnomAD v4.1: 4 of 1,606,752 alleles (0.00025%); highest among the groups gnomAD compares: Admixed American, 0.0017%; no homozygotes.

Submissions (8):

Myriad Genetics, Inc.
Classification: Likely benign for Breast-ovarian cancer, familial, susceptibility to, 2. Last evaluated: 2026-01-16. Review status: criteria provided, single submitter. Criteria: Myriad Autosomal Dominant, Autosomal Recessive and X-Linked Classification Criteria (2023). Collection method: clinical testing. Allele origin: unknown.
Comment: This variant is considered likely benign. This variant is strongly associated with less severe personal and family histories of cancer, typical for individuals without pathogenic variants in this gene [PMID: 25085752].

Ambry Genetics
Classification: Uncertain significance for Hereditary cancer-predisposing syndrome. Last evaluated: 2025-01-03. Review status: criteria provided, single submitter. Criteria: Ambry Variant Classification Scheme 2023. Collection method: clinical testing. Allele origin: germline.
Comment: The p.S1115C variant (also known as c.3344C>G), located in coding exon 10 of the BRCA2 gene, results from a C to G substitution at nucleotide position 3344. The serine at codon 1115 is replaced by cysteine, an amino acid with dissimilar properties. This amino acid position is highly conserved in available vertebrate species. In addition, the in silico prediction for this alteration is inconclusive. Based on the available evidence, the clinical significance of this variant remains unclear.

Labcorp Genetics (formerly Invitae), Labcorp
Classification: Uncertain significance for Hereditary breast ovarian cancer syndrome. Last evaluated: 2023-07-28. Review status: criteria provided, single submitter. Criteria: Invitae Variant Classification Sherloc (09022015). Collection method: clinical testing. Allele origin: germline.
Comment: This sequence change replaces serine, which is neutral and polar, with cysteine, which is neutral and slightly polar, at codon 1115 of the BRCA2 protein (p.Ser1115Cys). This variant is present in population databases (no rsID available, gnomAD 0.1%). This variant has not been reported in the literature in individuals affected with BRCA2-related conditions. ClinVar contains an entry for this variant (Variation ID: 252828). Advanced modeling of protein sequence and biophysical properties (such as structural, functional, and spatial information, amino acid conservation, physicochemical variation, residue mobility, and thermodynamic stability) performed at Invitae indicates that this missense variant is not expected to disrupt BRCA2 protein function. In summary, the available evidence is currently insufficient to determine the role of this variant in disease. Therefore, it has been classified as a Variant of Uncertain Significance.

University of Washington Department of Laboratory Medicine, University of Washington
Classification: Likely benign for Hereditary cancer-predisposing syndrome. Last evaluated: 2023-03-23. Review status: criteria provided, single submitter. Criteria: Dines et al. (Genet Med. 2020). Collection method: curation. Allele origin: germline.
Comment: Missense variant in a coldspot region where missense variants are very unlikely to be pathogenic (PMID:31911673).

BRCA2 exon 11 coldspot. Reclassification based on statistical prior probability.

Color Diagnostics, LLC DBA Color Health
Classification: Uncertain significance for Hereditary cancer-predisposing syndrome. Last evaluated: 2022-03-22. Review status: criteria provided, single submitter. Criteria: ACMG Guidelines, 2015. Collection method: clinical testing. Allele origin: germline.
Comment: This missense variant replaces serine with cysteine at codon 1115 of the BRCA2 protein. Computational prediction suggests that this variant may not impact protein structure and function (internally defined REVEL score threshold <= 0.5, PMID: 27666373). To our knowledge, functional studies have not been reported for this variant. This variant has not been reported in individuals affected with hereditary cancer in the literature. This variant has been identified in 1/31406 chromosomes in the general population by the Genome Aggregation Database (gnomAD). The available evidence is insufficient to determine the role of this variant in disease conclusively. Therefore, this variant is classified as a Variant of Uncertain Significance.

Sema4
Classification: Uncertain significance for Hereditary cancer-predisposing syndrome. Last evaluated: 2022-01-25. Review status: criteria provided, single submitter. Criteria: Sema4 Curation Guidelines. Collection method: curation. Allele origin: germline.
Comment: The BRCA2 c.3344C>G (p.S1115C) variant has not been reported in the literature to our knowledge. This variant was observed in 1/31406 chromosomes across the different populations included in the Genome Aggregation Database (PMID: 32461654). The variant has been reported in ClinVar (Variation ID: 252828). Functional studies have not been performed, and in silico predictions of the variant's effect on protein function are inconclusive. The evidence is insufficient to meet ACMG/AMP criteria for classifying the variant as benign or pathogenic. Thus, the clinical significance of this variant is currently uncertain.

Women's Health and Genetics/Laboratory Corporation of America, LabCorp
Classification: Uncertain significance. Last evaluated: 2021-05-17. Review status: criteria provided, single submitter. Criteria: LabCorp Variant Classification Summary - May 2015. Collection method: clinical testing. Allele origin: germline.
Comment: Variant summary: BRCA2 c.3344C>G (p.Ser1115Cys) results in a non-conservative amino acid change in the encoded protein sequence. Four of five in-silico tools predict a damaging effect of the variant on protein function. The variant was absent in 243734 control chromosomes. The available data on variant occurrences in the general population are insufficient to allow any conclusion about variant significance. To our knowledge, no occurrence of c.3344C>G in individuals affected with Hereditary Breast And Ovarian Cancer Syndrome and no experimental evidence demonstrating its impact on protein function have been reported. Three clinical diagnostic laboratories have submitted clinical-significance assessments for this variant to ClinVar after 2014 without evidence for independent evaluation. All laboratories classified the variant as uncertain significance. Based on the evidence outlined above, the variant was classified as uncertain significance.

Sharing Clinical Reports Project (SCRP)
Classification: Uncertain significance for Breast-ovarian cancer, familial 2. Last evaluated: 2008-09-23. Review status: no assertion criteria provided. Collection method: clinical testing. Allele origin: germline. Not counted in ClinVar's aggregate classification.

Literature cited by the submitters: PubMed 25085752 (cited by Myriad Genetics, Inc.).

NM_000059.4(BRCA2):c.3344C>G (p.Ser1115Cys)

Gene: BRCA2 (BRCA2 DNA repair associated; plus strand). Cytogenetic location: 13q13.1.
Variant type: single nucleotide variant.
Coding change: c.3344C>G on transcript NM_000059.4 (MANE Select); coding-DNA position 3344, C replaced by G.
Protein change: p.Ser1115Cys; replaces serine 1115 with cysteine.
Molecular consequence: missense variant.
Genome position (GRCh38, 1-based): chr13:32,337,699, C>G. VCF-style: chr13-32337699-C-G. GRCh37 (hg19) VCF-style: chr13-32911836-C-G.
Other names: 3572C>G; short protein forms S1115C.
Identifiers: ClinVar variation 252828 (VCV000252828.24), dbSNP rs879255448, ClinGen allele CA10586064.